The following is an entry in ClinVar:

NM_006086.4(TUBB3):c.278-404C>T

Gene: TUBB3 (tubulin beta 3 class III; plus strand). Cytogenetic location: 16q24.3.
Variant type: single nucleotide variant.
Coding change: c.278-404C>T on transcript NM_006086.4 (MANE Select); 404 bases into the intron before coding-DNA position 278, C replaced by T.
Molecular consequence: intron variant.
Genome position (GRCh38, 1-based): chr16:89,934,325, C>T. VCF-style: chr16-89934325-C-T. GRCh37 (hg19) VCF-style: chr16-90000733-C-T.
Other names: c.62-404C>T (NM_001197181.2).
Identifiers: ClinVar variation 2647147 (VCV002647147.24), dbSNP rs578076761, ClinGen allele CA8256061.

ClinVar aggregate classification (germline): Likely benign (1 of 4 stars; one submission).

Allele frequency attached by ClinVar (database versions not stated): 1000 Genomes Project 0.00040; ExAC 0.00056; 1000 Genomes Project 30x 0.00109; gnomAD exomes 0.00173; gnomAD 0.00177; TOPMed 0.00185.
gnomAD v4.1: 845 of 481,234 alleles (0.18%); highest among the groups gnomAD compares: Non-Finnish European, 0.25%; 2 homozygotes.

Submission:

CeGaT Center for Human Genetics Tuebingen
Classification: Likely benign. Last evaluated: 2023-04-01. Review status: criteria provided, single submitter. Criteria: CeGaT Center For Human Genetics Tuebingen Variant Classification Criteria Version 2. Collection method: clinical testing. Allele origin: germline. Affected: yes. Observed: 4 variant alleles.
Comment: TUBB3: BS1